The following is an entry in ClinVar:

ClinVar aggregate classification (germline): Benign (0 of 4 stars; one submission).

Conditions:
FAT3-related disorder. Also called: FAT3-related condition.

Allele frequency attached by ClinVar (database versions not stated): ExAC 0.00210; 1000 Genomes Project 0.00679; 1000 Genomes Project 30x 0.00687; gnomAD 0.00740; ESP Exome Variant Server 0.00766; TOPMed 0.00831.
gnomAD v4.1: 2,221 of 1,613,034 alleles (0.14%); highest among the groups gnomAD compares: African/African-American, 2.7%; 30 homozygotes.

Submission:

PreventionGenetics, part of Exact Sciences
Classification: Benign for FAT3-related condition. Last evaluated: 2019-11-06. Review status: no assertion criteria provided. Collection method: clinical testing. Allele origin: germline.
Comment: This variant is classified as benign based on ACMG/AMP sequence variant interpretation guidelines (Richards et al. 2015 PMID: 25741868, with internal and published modifications).

NM_001367949.2(FAT3):c.4215T>C (p.Ala1405=)

Gene: FAT3 (FAT atypical cadherin 3; plus strand). Cytogenetic location: 11q14.3.
Variant type: single nucleotide variant.
Coding change: c.4215T>C on transcript NM_001367949.2 (MANE Select); coding-DNA position 4215, T replaced by C.
Protein change: p.Ala1405=; no amino-acid change (alanine 1405 retained).
Molecular consequence: synonymous variant.
Genome position (GRCh38, 1-based): chr11:92,774,060, T>C. VCF-style: chr11-92774060-T-C. GRCh37 (hg19) VCF-style: chr11-92507226-T-C.
Other names: c.4215T>C, p.Ala1405= (NM_001008781.3).
Identifiers: ClinVar variation 3045459 (VCV003045459.2), dbSNP rs148509249, ClinGen allele CA6226879.
Genomic context (GRCh38, chr11:92,774,060, plus strand): 5'-TTATCAGATTTGCTAATTTCATGTTTCTGTGAAATCATCAGGGGGGAATTTTGACAGCGC[T>C]TTTGATGCAGAGAAGGGTGTTGGGACAATTGTCATCGCAAAACCTTTGGATGCAGAGCAG-3'
Protein context (NP_001354878.1, residues 1395-1415): FDIVGGNFDS[Ala1405=]FDAEKGVGTI